The following is an entry in ClinVar:

ClinVar aggregate classification (germline): Uncertain significance (1 of 4 stars; one submission).

Conditions:
Gastrointestinal stromal tumor. Also called: Gastrointestinal stromal tumor, somatic; Gastrointestinal stroma tumor. Identifiers: Orphanet 44890, MedGen C0238198, MeSH D046152, MONDO:0011719, OMIM 606764, HP:0100723.

Allele frequency attached by ClinVar (database versions not stated): gnomAD 0.00001.
gnomAD v4.1: 2 of 1,613,894 alleles (0.00012%); highest among the groups gnomAD compares: Admixed American, 0.0033%; no homozygotes.

Submission:

Labcorp Genetics (formerly Invitae), Labcorp
Classification: Uncertain significance for Gastrointestinal stromal tumor. Last evaluated: 2023-07-19. Review status: criteria provided, single submitter. Criteria: Invitae Variant Classification Sherloc (09022015). Collection method: clinical testing. Allele origin: germline.
Comment: In summary, the available evidence is currently insufficient to determine the role of this variant in disease. Therefore, it has been classified as a Variant of Uncertain Significance. This sequence change replaces threonine, which is neutral and polar, with serine, which is neutral and polar, at codon 99 of the PDGFRA protein (p.Thr99Ser). This variant is not present in population databases (gnomAD no frequency). This variant has not been reported in the literature in individuals affected with PDGFRA-related conditions. ClinVar contains an entry for this variant (Variation ID: 837437). Advanced modeling of protein sequence and biophysical properties (such as structural, functional, and spatial information, amino acid conservation, physicochemical variation, residue mobility, and thermodynamic stability) performed at Invitae indicates that this missense variant is not expected to disrupt PDGFRA protein function.

NM_006206.6(PDGFRA):c.295A>T (p.Thr99Ser)

Gene: PDGFRA (platelet derived growth factor receptor alpha; plus strand). Cytogenetic location: 4q12.
Variant type: single nucleotide variant.
Coding change: c.295A>T on transcript NM_006206.6 (MANE Select); coding-DNA position 295, A replaced by T.
Protein change: p.Thr99Ser; replaces threonine 99 with serine.
Molecular consequence: missense variant.
Genome position (GRCh38, 1-based): chr4:54,261,340, A>T. VCF-style: chr4-54261340-A-T. GRCh37 (hg19) VCF-style: chr4-55127507-A-T.
Other names: c.295A>T, p.Thr99Ser (NM_001347827.2, NM_001347829.2); c.370A>T, p.Thr124Ser (NM_001347828.2); c.334A>T, p.Thr112Ser (NM_001347830.2); short protein forms T112S, T124S, T99S.
Identifiers: ClinVar variation 837437 (VCV000837437.8), dbSNP rs1265201159, ClinGen allele CA356888828.